The following is an entry in ClinVar:

ClinVar aggregate classification (germline): Uncertain significance (1 of 4 stars; one submission).

Conditions:
Chédiak-Higashi syndrome (CHS). Also called: Chediak-Higashi Syndrome. Identifiers: Orphanet 167, MedGen C0007965, MONDO:0008963, OMIM 214500.

Allele frequency attached by ClinVar (database versions not stated): gnomAD exomes below 0.00001; TOPMed 0.00001.
gnomAD v4.1: 2 of 1,613,742 alleles (0.00012%); highest among the groups gnomAD compares: African/African-American, 0.0027%; no homozygotes.

Submission:

Labcorp Genetics (formerly Invitae), Labcorp
Classification: Uncertain significance for Chédiak-Higashi syndrome. Last evaluated: 2024-05-13. Review status: criteria provided, single submitter. Criteria: Invitae Variant Classification Sherloc (09022015). Collection method: clinical testing. Allele origin: germline.
Comment: This sequence change replaces valine, which is neutral and non-polar, with alanine, which is neutral and non-polar, at codon 2620 of the LYST protein (p.Val2620Ala). This variant is present in population databases (no rsID available, gnomAD 0.007%). This variant has not been reported in the literature in individuals affected with LYST-related conditions. ClinVar contains an entry for this variant (Variation ID: 1405743). Advanced modeling of protein sequence and biophysical properties (such as structural, functional, and spatial information, amino acid conservation, physicochemical variation, residue mobility, and thermodynamic stability) performed at Invitae indicates that this missense variant is not expected to disrupt LYST protein function with a negative predictive value of 80%. In summary, the available evidence is currently insufficient to determine the role of this variant in disease. Therefore, it has been classified as a Variant of Uncertain Significance.

NM_000081.4(LYST):c.7859T>C (p.Val2620Ala)

Gene: LYST (lysosomal trafficking regulator; minus strand). Cytogenetic location: 1q42.3.
Variant type: single nucleotide variant.
Coding change: c.7859T>C on transcript NM_000081.4 (MANE Select); coding-DNA position 7859, T replaced by C.
Protein change: p.Val2620Ala; replaces valine 2620 with alanine.
Molecular consequence: missense variant.
Genome position (GRCh38, 1-based): chr1:235,746,449, A>G on the plus strand (T>C on the coding strand, the complement: LYST is on the minus strand). VCF-style: chr1-235746449-A-G. GRCh37 (hg19) VCF-style: chr1-235909749-A-G.
Other names: c.7859T>C, p.Val2620Ala (NM_001301365.1); short protein forms V2620A.
Identifiers: ClinVar variation 1405743 (VCV001405743.5), dbSNP rs1262018602, ClinGen allele CA344927493.